The following is an entry in ClinVar:

NM_022455.5(NSD1):c.1618G>C (p.Gly540Arg)

Gene: NSD1 (nuclear receptor binding SET domain protein 1; plus strand). Cytogenetic location: 5q35.3.
Variant type: single nucleotide variant.
Coding change: c.1618G>C on transcript NM_022455.5 (MANE Select); coding-DNA position 1618, G replaced by C.
Protein change: p.Gly540Arg; replaces glycine 540 with arginine.
Molecular consequence: missense variant.
Genome position (GRCh38, 1-based): chr5:177,210,017, G>C. VCF-style: chr5-177210017-G-C. GRCh37 (hg19) VCF-style: chr5-176637018-G-C.
Other names: c.745G>C, p.Gly249Arg (NM_001365684.2, NM_001409306.1, NM_001409307.1 and 3 more transcripts); c.1618G>C, p.Gly540Arg (NM_001409301.1, NM_001409302.1, NM_001409303.1); c.1198G>C, p.Gly400Arg (NM_001409304.1); c.865G>C, p.Gly289Arg (NM_001409305.1); short protein forms G540R, G249R, G289R, G400R.
Identifiers: ClinVar variation 4995213 (VCV004995213.1).

ClinVar aggregate classification (germline): Uncertain significance (1 of 4 stars; one submission).

Conditions:
NSD1-related disorder. Also called: NSD1-related condition.

Submission:

PreventionGenetics, part of Exact Sciences
Classification: Uncertain significance for NSD1-related condition. Last evaluated: 2026-03-22. Review status: criteria provided, single submitter. Criteria: ACMG Guidelines, 2015. Collection method: clinical testing. Allele origin: germline.
Comment: The NSD1 c.1618G>C variant is predicted to result in the amino acid substitution p.Gly540Arg. To our knowledge, this variant has not been reported in the literature or in a large population database (gnomAD), indicating this variant is rare. At this time, the clinical significance of this variant is uncertain due to the absence of conclusive functional and genetic evidence.